The following is an entry in ClinVar:

ClinVar aggregate classification (germline): Benign/Likely benign. Review status: criteria provided, multiple submitters, no conflicts (2 of 4 stars). 7 submissions from 7 submitters: Benign (4); Likely benign (1). 2 of the submissions do not count toward it. Last evaluated 2026-02-03.

Conditions:
Inborn genetic diseases. Identifiers: MedGen C0950123, MeSH D030342.

Submissions (7):

Labcorp Genetics (formerly Invitae), Labcorp
Classification: Benign. Last evaluated: 2026-02-03. Review status: criteria provided, single submitter. Criteria: Invitae Variant Classification Sherloc (09022015). Collection method: clinical testing. Allele origin: germline.

Women's Health and Genetics/Laboratory Corporation of America, LabCorp
Classification: Likely benign. Last evaluated: 2026-01-22. Review status: criteria provided, single submitter. Criteria: LabCorp Variant Classification Summary - May 2015. Collection method: clinical testing. Allele origin: germline.
Comment: Variant summary: ATP6AP1 c.111_116dupGGCGGC (p.Ala40_Ala41dup) results in an in-frame duplication that is predicted to duplicate two amino acids into the encoded protein. The variant allele was found at a frequency of 0.0047 in 54469 control chromosomes in the gnomAD database, including 14 homozygotes. The observed variant frequency exceeds the estimated maximal expected allele frequency for disease-causing variants in ATP6AP1. To our knowledge, no occurrence of c.111_116dupGGCGGC in individuals affected with ATP6AP1-related conditions and no experimental evidence demonstrating its impact on protein function have been reported. ClinVar contains an entry for this variant (Variation ID: 1165872). Based on the evidence outlined above, the variant was classified as likely benign.

Mayo Clinic Laboratories, Mayo Clinic
Classification: Benign. Last evaluated: 2024-10-17. Review status: criteria provided, single submitter. Criteria: ACMG Guidelines, 2015. Collection method: clinical testing. Allele origin: germline. Observed: 2 variant alleles.

Ambry Genetics
Classification: Benign for Inborn genetic diseases. Last evaluated: 2021-11-19. Review status: criteria provided, single submitter. Criteria: Ambry Variant Classification Scheme 2023. Collection method: clinical testing. Allele origin: germline.

GeneDx
Classification: Benign. Last evaluated: 2019-11-13. Review status: criteria provided, single submitter. Criteria: GeneDx Variant Classification Process June 2021. Collection method: clinical testing. Allele origin: germline. Affected: yes.

Diagnostic Laboratory, Department of Genetics, University Medical Center Groningen
Classification: Benign. Review status: no assertion criteria provided. Collection method: clinical testing. Allele origin: germline. Affected: yes. Study: VKGL Data-share Consensus. Not counted in ClinVar's aggregate classification.

Genome Diagnostics Laboratory, University Medical Center Utrecht
Classification: Benign. Review status: no assertion criteria provided. Collection method: clinical testing. Allele origin: germline. Affected: yes. Study: VKGL Data-share Consensus. Not counted in ClinVar's aggregate classification.

NM_001183.6(ATP6AP1):c.96GGC[9] (p.Ala40_Ala41dup)

Gene: ATP6AP1 (ATPase H+ transporting accessory protein 1; plus strand). Cytogenetic location: Xq28.
Variant type: Microsatellite.
Coding change: c.96GGC[9] on transcript NM_001183.6 (MANE Select); nine copies in a row of the 3-base unit GGC starting at c.96; the reference has seven copies in a row; two copies, 6 bases duplicated; also written c.111_116dup.
Protein change: p.Ala40_Ala41dup.
Molecular consequence: inframe insertion.
Genome position (GRCh38, 1-based): chrX:154,428,803-154,428,808, GGCGGC duplicated; duplicating any 6 consecutive bases within chrX:154,428,788-154,428,808 gives the same sequence; the position shown is the placement nearest the transcript's 3' end. VCF-style (leftmost placement, unchanged base first): chrX-154428787-T-TGGCGGC. GRCh37 (hg19) VCF-style: chrX-153657133-T-TGGCGGC.
Other names: p.Ala40_Ala41dup; c.111_116dup (NM_001183.6); c.111_116dupGGCGGC (NM_001183.6).
Identifiers: ClinVar variation 1165872 (VCV001165872.17), dbSNP rs781797236, ClinGen allele CA10562502.